The following is an entry in ClinVar:

NM_004100.5(EYA4):c.1502G>C (p.Gly501Ala)

Genes: EYA4 (EYA transcriptional coactivator and phosphatase 4; plus strand), TARID (TCF21 antisense RNA inducing promoter demethylation; minus strand). Cytogenetic location: 6q23.2.
Variant type: single nucleotide variant.
Coding change: c.1502G>C on transcript NM_004100.5 (MANE Select); coding-DNA position 1502, G replaced by C.
Protein change: p.Gly501Ala; replaces glycine 501 with alanine.
Molecular consequence: missense variant.
Genome position (GRCh38, 1-based): chr6:133,515,321, G>C. VCF-style: chr6-133515321-G-C. GRCh37 (hg19) VCF-style: chr6-133836459-G-C.
Other names: c.1340G>C, p.Gly447Ala (NM_001301012.2); c.1520G>C, p.Gly507Ala (NM_001301013.2); c.1433G>C, p.Gly478Ala (NM_001370458.1, NM_172103.4); c.1358G>C, p.Gly453Ala (NM_001370459.1); c.1502G>C, p.Gly501Ala (NM_172105.4); short protein forms G447A, G453A, G501A, G507A, G478A.
Identifiers: ClinVar variation 662629 (VCV000662629.9), dbSNP rs767782223, ClinGen allele CA4008391.

ClinVar aggregate classification (germline): Uncertain significance. Review status: criteria provided, multiple submitters, no conflicts (2 of 4 stars). 2 submissions from 2 submitters: Uncertain significance (2). Last evaluated 2026-03-19.

Conditions:
Cardiovascular phenotype. Identifiers: MedGen CN230736.
Dilated cardiomyopathy 1J (CMD1J). Also called: CARDIOMYOPATHY, DILATED, WITH SENSORINEURAL HEARING LOSS, AUTOSOMAL DOMINANT. Identifiers: Orphanet 217622, MedGen C1854368, MONDO:0011541, OMIM 605362.

Allele frequency attached by ClinVar (database versions not stated): gnomAD exomes below 0.00001; ExAC 0.00001.
gnomAD v4.1: 3 of 1,572,442 alleles (0.00019%); highest among the groups gnomAD compares: Middle Eastern, 0.017%; no homozygotes.

Submissions (2):

Ambry Genetics
Classification: Uncertain significance for Cardiovascular phenotype. Last evaluated: 2026-03-19. Review status: criteria provided, single submitter. Criteria: Ambry Variant Classification Scheme 2023. Collection method: clinical testing. Allele origin: germline.

Labcorp Genetics (formerly Invitae), Labcorp
Classification: Uncertain significance for Dilated cardiomyopathy 1J. Last evaluated: 2018-11-20. Review status: criteria provided, single submitter. Criteria: Invitae Variant Classification Sherloc (09022015). Collection method: clinical testing. Allele origin: germline.
Comment: In summary, the available evidence is currently insufficient to determine the role of this variant in disease. Therefore, it has been classified as a Variant of Uncertain Significance. Algorithms developed to predict the effect of missense changes on protein structure and function are either unavailable or do not agree on the potential impact of this missense change (SIFT: "Tolerated"; PolyPhen-2: "Possibly Damaging"; Align-GVGD: "Class C0"). This variant has not been reported in the literature in individuals with EYA4-related disease. This variant is present in population databases (rs767782223, ExAC 0.009%). This sequence change replaces glycine with alanine at codon 501 of the EYA4 protein (p.Gly501Ala). The glycine residue is highly conserved and there is a small physicochemical difference between glycine and alanine.